The following is an entry in ClinVar:

ClinVar aggregate classification (germline): Pathogenic (1 of 4 stars; one submission).

Conditions:
Very long chain acyl-CoA dehydrogenase deficiency (ACADVLD). Also called: Very Long-Chain Acyl-Coenzyme A Dehydrogenase Deficiency; VLCAD Deficiency. Identifiers: Orphanet 26793, MedGen C3887523, MONDO:0008723, OMIM 201475.

Submission:

Labcorp Genetics (formerly Invitae), Labcorp
Classification: Pathogenic for Very long chain acyl-CoA dehydrogenase deficiency. Last evaluated: 2023-06-23. Review status: criteria provided, single submitter. Criteria: Invitae Variant Classification Sherloc (09022015). Collection method: clinical testing. Allele origin: germline.
Comment: This sequence change creates a premature translational stop signal (p.Ser220Cysfs*28) in the ACADVL gene. It is expected to result in an absent or disrupted protein product. Loss-of-function variants in ACADVL are known to be pathogenic (PMID: 9973285, 11590124). This variant is not present in population databases (gnomAD no frequency). This variant has not been reported in the literature in individuals affected with ACADVL-related conditions. For these reasons, this variant has been classified as Pathogenic.

Literature cited by the submitters: PubMed 9973285; PubMed 11590124.

NM_000018.4(ACADVL):c.659_672del (p.Ser220fs)

Gene: ACADVL (acyl-CoA dehydrogenase very long chain; plus strand). Cytogenetic location: 17p13.1.
Variant type: Deletion.
Coding change: c.659_672del on transcript NM_000018.4 (MANE Select); coding-DNA positions 659 to 672, 14 bases deleted (CAAGCGGGTCAGAT).
Protein change: p.Ser220fs; shifts the reading frame from serine 220.
Molecular consequence: frameshift variant.
Genome position (GRCh38, 1-based): chr17:7,221,988-7,222,001, CAAGCGGGTCAGAT deleted; deleting any 14 consecutive bases within chr17:7,221,987-7,222,001 gives the same sequence; the c. name uses the placement nearest the transcript's 3' end. VCF-style (leftmost placement, unchanged base first): chr17-7221986-CTCAAGCGGGTCAGA-C. GRCh37 (hg19) VCF-style: chr17-7125305-CTCAAGCGGGTCAGA-C.
Other names: c.593_606del, p.Ser198fs (NM_001033859.3); c.728_741del, p.Ser243fs (NM_001270447.2); c.431_444del, p.Ser144fs (NM_001270448.2); short protein forms S144fs, S198fs, S220fs, S243fs.
Identifiers: ClinVar variation 2725660 (VCV002725660.3), dbSNP rs2508297245, ClinGen allele CA2697557227.